The following is an entry in ClinVar:

ClinVar aggregate classification (germline): Uncertain significance (1 of 4 stars; one submission).

Allele frequency attached by ClinVar (database versions not stated): TOPMed below 0.00001.
gnomAD v4.1: 2 of 1,438,540 alleles (0.00014%); highest among the groups gnomAD compares: Non-Finnish European, 0.000091%; no homozygotes.

Submission:

Labcorp Genetics (formerly Invitae), Labcorp
Classification: Uncertain significance. Last evaluated: 2024-02-24. Review status: criteria provided, single submitter. Criteria: Invitae Variant Classification Sherloc (09022015). Collection method: clinical testing. Allele origin: germline.
Comment: This sequence change replaces leucine, which is neutral and non-polar, with methionine, which is neutral and non-polar, at codon 376 of the SAMD11 protein (p.Leu376Met). This variant is not present in population databases (gnomAD no frequency). This variant has not been reported in the literature in individuals affected with SAMD11-related conditions. ClinVar contains an entry for this variant (Variation ID: 1492319). An algorithm developed to predict the effect of missense changes on protein structure and function (PolyPhen-2) suggests that this variant is likely to be disruptive. In summary, the available evidence is currently insufficient to determine the role of this variant in disease. Therefore, it has been classified as a Variant of Uncertain Significance.

NM_001385641.1(SAMD11):c.1615C>A (p.Leu539Met)

Gene: SAMD11 (sterile alpha motif domain containing 11; plus strand). Cytogenetic location: 1p36.33.
Variant type: single nucleotide variant.
Coding change: c.1615C>A on transcript NM_001385641.1 (MANE Select); coding-DNA position 1615, C replaced by A.
Protein change: p.Leu539Met; replaces leucine 539 with methionine.
Molecular consequence: missense variant.
Genome position (GRCh38, 1-based): chr1:942,620, C>A. VCF-style: chr1-942620-C-A. GRCh37 (hg19) VCF-style: chr1-878000-C-A.
Other names: c.1618C>A, p.Leu540Met (NM_001385640.1); c.1126C>A, p.Leu376Met (NM_152486.4); short protein forms L540M, L376M, L539M.
Identifiers: ClinVar variation 1492319 (VCV001492319.7), dbSNP rs1020493696, ClinGen allele CA337808434.